The following is an entry in ClinVar:

ClinVar aggregate classification (germline): Uncertain significance (1 of 4 stars; one submission).

Conditions:
Malignant hyperthermia, susceptibility to, 1 (MHS1). Also called: RYR1-Related Malignant Hyperthermia Susceptibility; Malignant hyperthermia suceptibility 1; Anesthesia related hyperthermia; Malignant hyperpyrexia; Fulminating hyperpyrexia; Pharmacogenic myopathy. Identifiers: Orphanet 423, MedGen C2930980, MONDO:0007783, OMIM 145600.

gnomAD v4.1: 4 of 1,614,010 alleles (0.00025%); highest among the groups gnomAD compares: Non-Finnish European, 0.00034%; no homozygotes.

Submission:

Color Diagnostics, LLC DBA Color Health
Classification: Uncertain significance for Malignant hyperthermia, susceptibility to, 1. Last evaluated: 2025-08-04. Review status: criteria provided, single submitter. Criteria: ACMG Guidelines, 2015. Collection method: clinical testing. Allele origin: germline.
Comment: This missense variant replaces glutamine with histidine at codon 3127 of the RYR1 protein. Computational prediction is inconclusive regarding the impact of this variant on protein structure and function. To our knowledge, functional studies have not been reported for this variant. This variant has not been reported in individuals affected with RYR1-related disorders in the literature. This variant has not been identified in the general population by the Genome Aggregation Database (gnomAD). The available evidence is insufficient to determine the role of this variant in disease conclusively. Therefore, this variant is classified as a Variant of Uncertain Significance.

NM_000540.3(RYR1):c.9381G>C (p.Gln3127His)

Gene: RYR1 (ryanodine receptor 1; plus strand). Cytogenetic location: 19q13.2.
Variant type: single nucleotide variant.
Coding change: c.9381G>C on transcript NM_000540.3 (MANE Select); coding-DNA position 9381, G replaced by C.
Protein change: p.Gln3127His; replaces glutamine 3127 with histidine.
Molecular consequence: missense variant.
Genome position (GRCh38, 1-based): chr19:38,512,392, G>C. VCF-style: chr19-38512392-G-C. GRCh37 (hg19) VCF-style: chr19-39003032-G-C.
Other names: c.9381G>C, p.Gln3127His (NM_001042723.2); short protein forms Q3127H.
Identifiers: ClinVar variation 4758966 (VCV004758966.1).